The following is an entry in ClinVar:

NM_018718.3(CEP41):c.*1512C>T

Gene: CEP41 (centrosomal protein 41; minus strand). Cytogenetic location: 7q32.2.
Variant type: single nucleotide variant.
Coding change: c.*1512C>T on transcript NM_018718.3 (MANE Select); 1512 bases downstream of the stop codon, C replaced by T.
Molecular consequence: 3 prime UTR variant. On other transcripts: non-coding transcript variant (1).
Genome position (GRCh38, 1-based): chr7:130,397,379, G>A on the plus strand (C>T on the coding strand, the complement: CEP41 is on the minus strand). VCF-style: chr7-130397379-G-A. GRCh37 (hg19) VCF-style: chr7-130037220-G-A.
Other names: c.*1512C>T (NM_001257158.2, NM_001257159.2).
Identifiers: ClinVar variation 912263 (VCV000912263.4), dbSNP rs73721889, ClinGen allele CA4485253.

ClinVar aggregate classification (germline): Likely benign (1 of 4 stars; one submission).

Conditions:
Joubert syndrome 15 (JBTS15). Identifiers: Orphanet 475, MedGen C3280897, MONDO:0013763, OMIM 614464.

Allele frequency attached by ClinVar (database versions not stated): gnomAD exomes 0.00070 and 0.00124; ExAC 0.00123; gnomAD 0.00639 and 0.00689; 1000 Genomes Project 0.00699; TOPMed 0.00711; 1000 Genomes Project 30x 0.00890.
gnomAD v4.1: 1,181 of 454,152 alleles (0.26%); highest among the groups gnomAD compares: African/African-American, 2.2%; 13 homozygotes.

Submission:

Illumina Laboratory Services, Illumina
Classification: Likely benign for Joubert syndrome 15. Last evaluated: 2018-01-13. Review status: criteria provided, single submitter. Criteria: ICSL Variant Classification Criteria 13 December 2019. Collection method: clinical testing. Allele origin: germline.
Comment: This variant was observed in the ICSL laboratory as part of a predisposition screen in an ostensibly healthy population. It had not been previously curated by ICSL or reported in the Human Gene Mutation Database (HGMD: prior to June 1st, 2018), and was therefore a candidate for classification through an automated scoring system. Utilizing variant allele frequency, disease prevalence and penetrance estimates, and inheritance mode, an automated score was calculated to assess if this variant is too frequent to cause the disease. Based on the score and internal cut-off values, a variant classified as likely benign is not then subjected to further curation. The score for this variant resulted in a classification of likely benign for this disease.